The following is an entry in ClinVar:

NM_000038.6(APC):c.5478G>A (p.Lys1826=)

Gene: APC (APC regulator of Wnt signaling pathway; plus strand). Cytogenetic location: 5q22.2.
Variant type: single nucleotide variant.
Coding change: c.5478G>A on transcript NM_000038.6 (MANE Select); coding-DNA position 5478, G replaced by A.
Protein change: p.Lys1826=; no amino-acid change (lysine 1826 retained).
Molecular consequence: synonymous variant.
Genome position (GRCh38, 1-based): chr5:112,841,072, G>A. VCF-style: chr5-112841072-G-A. GRCh37 (hg19) VCF-style: chr5-112176769-G-A.
Other names: c.5478G>A, p.Lys1826= (NM_001127510.3, NM_001354895.2); c.5424G>A, p.Lys1808= (NM_001127511.3); c.5532G>A, p.Lys1844= (NM_001354896.2); c.5508G>A, p.Lys1836= (NM_001354897.2); c.5403G>A, p.Lys1801= (NM_001354898.2); c.5394G>A, p.Lys1798= (NM_001354899.2); c.5355G>A, p.Lys1785= (NM_001354900.2); c.5301G>A, p.Lys1767= (NM_001354901.2); and 5 more.
Identifiers: ClinVar variation 470008 (VCV000470008.53), dbSNP rs768922376, ClinGen allele CA042058.

ClinVar aggregate classification (germline): Benign/Likely benign. Review status: criteria provided, multiple submitters, no conflicts (2 of 4 stars). 4 submissions from 4 submitters: Benign (1); Likely benign (3). Last evaluated 2025-05-13.

Conditions:
Hereditary cancer-predisposing syndrome. Also called: Hereditary neoplastic syndrome; Neoplastic Syndromes, Hereditary; Tumor predisposition; Hereditary Cancer Syndrome. Identifiers: Orphanet 140162, MedGen C0027672, MeSH D009386, MONDO:0015356.
Familial adenomatous polyposis 1 (FAP1). Also called: POLYPOSIS, ADENOMATOUS INTESTINAL; FAMILIAL ADENOMATOUS POLYPOSIS 1, ATTENUATED. Identifiers: MedGen C2713442, MONDO:0021056, OMIM 175100. Disease mechanism: loss of function.

Allele frequency attached by ClinVar (database versions not stated): gnomAD exomes below 0.00001; ExAC 0.00001.
gnomAD v4.1: 1 of 1,612,724 alleles (0.000062%); highest among the groups gnomAD compares: Non-Finnish European, 0.000085%; no homozygotes.

Submissions (4):

Labcorp Genetics (formerly Invitae), Labcorp
Classification: Likely benign for Familial adenomatous polyposis 1. Last evaluated: 2025-05-13. Review status: criteria provided, single submitter. Criteria: Invitae Variant Classification Sherloc (09022015). Collection method: clinical testing. Allele origin: germline.

Myriad Genetics, Inc.
Classification: Benign for Familial adenomatous polyposis 1. Last evaluated: 2024-04-02. Review status: criteria provided, single submitter. Criteria: Myriad Autosomal Dominant, Autosomal Recessive and X-Linked Classification Criteria (2023). Collection method: clinical testing. Allele origin: unknown.
Comment: This variant is considered benign. This variant is a silent/synonymous amino acid change and it is not expected to impact splicing.

Ambry Genetics
Classification: Likely benign for Hereditary cancer-predisposing syndrome. Last evaluated: 2020-09-02. Review status: criteria provided, single submitter. Criteria: Ambry Variant Classification Scheme 2023. Collection method: clinical testing. Allele origin: germline.

PreventionGenetics, part of Exact Sciences
Classification: Likely benign. Last evaluated: 2017-11-27. Review status: criteria provided, single submitter. Criteria: ACMG Guidelines, 2015. Collection method: clinical testing. Allele origin: germline.